The following is an entry in ClinVar:

ClinVar aggregate classification (germline): Uncertain significance. Review status: criteria provided, multiple submitters, no conflicts (2 of 4 stars). 3 submissions from 3 submitters: Uncertain significance (2). 1 of the submissions does not count toward it. Last evaluated 2026-01-24.

Conditions:
Hereditary cancer-predisposing syndrome. Also called: Hereditary neoplastic syndrome; Hereditary Cancer Syndrome; Neoplastic Syndromes, Hereditary; Tumor predisposition. Identifiers: Orphanet 140162, MedGen C0027672, MeSH D009386, MONDO:0015356.
Bloom syndrome (BLM). Also called: Bloom-Torre-Machacek syndrome. Identifiers: Orphanet 125, MedGen C0005859, MONDO:0008876, OMIM 210900.

Allele frequency attached by ClinVar (database versions not stated): TOPMed below 0.00001; ExAC 0.00001; gnomAD 0.00001; gnomAD exomes 0.00001.
gnomAD v4.1: 56 of 1,614,120 alleles (0.0035%); highest among the groups gnomAD compares: Non-Finnish European, 0.0047%; no homozygotes.

Submissions (3):

Labcorp Genetics (formerly Invitae), Labcorp
Classification: Uncertain significance for Bloom syndrome. Last evaluated: 2026-01-24. Review status: criteria provided, single submitter. Criteria: Invitae Variant Classification Sherloc (09022015). Collection method: clinical testing. Allele origin: germline.
Comment: This sequence change replaces aspartic acid, which is acidic and polar, with glycine, which is neutral and non-polar, at codon 239 of the BLM protein (p.Asp239Gly). This variant is present in population databases (rs751699247, gnomAD 0.002%). This variant has not been reported in the literature in individuals affected with BLM-related conditions. ClinVar contains an entry for this variant (Variation ID: 236825). An algorithm developed to predict the effect of missense changes on protein structure and function (PolyPhen-2) suggests that this variant is likely to be tolerated. RNA analysis performed to evaluate the impact of this missense change on mRNA splicing indicates it does not significantly alter splicing (internal data). In summary, the available evidence is currently insufficient to determine the role of this variant in disease. Therefore, it has been classified as a Variant of Uncertain Significance.

Ambry Genetics
Classification: Uncertain significance for Hereditary cancer-predisposing syndrome. Last evaluated: 2024-06-04. Review status: criteria provided, single submitter. Criteria: Ambry Variant Classification Scheme 2023. Collection method: clinical testing. Allele origin: germline.
Comment: The p.D239G variant (also known as c.716A>G), located in coding exon 2 of the BLM gene, results from an A to G substitution at nucleotide position 716. The aspartic acid at codon 239 is replaced by glycine, an amino acid with similar properties. This amino acid position is not well conserved in available vertebrate species. In addition, this alteration is predicted to be tolerated by in silico analysis. Since supporting evidence is limited at this time, the clinical significance of this alteration remains unclear.

Natera, Inc.
Classification: Uncertain significance for Bloom syndrome. Last evaluated: 2018-09-13. Review status: no assertion criteria provided. Collection method: clinical testing. Allele origin: germline. Not counted in ClinVar's aggregate classification.

NM_000057.4(BLM):c.716A>G (p.Asp239Gly)

Gene: BLM (BLM RecQ like helicase; plus strand). Cytogenetic location: 15q26.1.
Variant type: single nucleotide variant.
Coding change: c.716A>G on transcript NM_000057.4 (MANE Select); coding-DNA position 716, A replaced by G.
Protein change: p.Asp239Gly; replaces aspartic acid 239 with glycine.
Molecular consequence: missense variant. On other transcripts: 5 prime UTR variant (1).
Genome position (GRCh38, 1-based): chr15:90,749,984, A>G. VCF-style: chr15-90749984-A-G. GRCh37 (hg19) VCF-style: chr15-91293214-A-G.
Other names: c.716A>G, p.Asp239Gly (NM_001287246.2, NM_001287247.2); c.-576A>G (NM_001287248.2); c.716A>G (NM_000057.2); short protein forms D239G.
Identifiers: ClinVar variation 236825 (VCV000236825.15), dbSNP rs751699247, ClinGen allele CA7738334.